The following is an entry in ClinVar:

ClinVar aggregate classification (germline): Uncertain significance (1 of 4 stars; one submission).

Conditions:
Supravalvar aortic stenosis (SVAS). Also called: Supravalvar aortic stenosis, Eisenberg type. Identifiers: Orphanet 3193, MedGen C0003499, MONDO:0008504, OMIM 185500, HP:0004381.

Allele frequency attached by ClinVar (database versions not stated): gnomAD 0.00001.
gnomAD v4.1: 15 of 1,613,988 alleles (0.00093%); highest among the groups gnomAD compares: Non-Finnish European, 0.0012%; no homozygotes.

Submission:

Labcorp Genetics (formerly Invitae), Labcorp
Classification: Uncertain significance for Supravalvar aortic stenosis. Last evaluated: 2025-05-14. Review status: criteria provided, single submitter. Criteria: Invitae Variant Classification Sherloc (09022015). Collection method: clinical testing. Allele origin: germline.
Comment: This sequence change replaces glycine, which is neutral and non-polar, with arginine, which is basic and polar, at codon 551 of the ELN protein (p.Gly551Arg). This variant is present in population databases (no rsID available, gnomAD 0.002%). This variant has not been reported in the literature in individuals affected with ELN-related conditions. ClinVar contains an entry for this variant (Variation ID: 2891252). Invitae Evidence Modeling of protein sequence and biophysical properties (such as structural, functional, and spatial information, amino acid conservation, physicochemical variation, residue mobility, and thermodynamic stability) indicates that this missense variant is not expected to disrupt ELN protein function with a negative predictive value of 80%. In summary, the available evidence is currently insufficient to determine the role of this variant in disease. Therefore, it has been classified as a Variant of Uncertain Significance.

NM_000501.4(ELN):c.1564G>C (p.Gly522Arg)

Genes: ELN-AS1 (ELN antisense RNA 1; minus strand), ELN (elastin; plus strand). Cytogenetic location: 7q11.23.
Variant type: single nucleotide variant.
Coding change: c.1564G>C on transcript NM_000501.4 (MANE Select); coding-DNA position 1564, G replaced by C.
Protein change: p.Gly522Arg; replaces glycine 522 with arginine.
Molecular consequence: missense variant.
Genome position (GRCh38, 1-based): chr7:74,060,035, G>C. VCF-style: chr7-74060035-G-C. GRCh37 (hg19) VCF-style: chr7-73474365-G-C.
Other names: c.1477G>C, p.Gly493Arg (NM_001081752.3); c.1522G>C, p.Gly508Arg (NM_001081753.3); c.1579G>C, p.Gly527Arg (NM_001081754.3); c.1507G>C, p.Gly503Arg (NM_001081755.3); c.1564G>C, p.Gly522Arg (NM_001278912.2); c.1321G>C, p.Gly441Arg (NM_001278913.2); c.1492G>C, p.Gly498Arg (NM_001278914.2); c.1582G>C, p.Gly528Arg (NM_001278915.2); and 4 more; short protein forms G489R, G493R, G433R, G503R, G441R, G498R, G508R, G522R.
Identifiers: ClinVar variation 2891252 (VCV002891252.3), dbSNP rs1554683143, ClinGen allele CA367885589.